The following is an entry in ClinVar:

NM_001379500.1(COL18A1):c.3059_3075del (p.Pro1020fs)

Genes: COL18A1 (collagen type XVIII alpha 1 chain; plus strand), SLC19A1 (solute carrier family 19 member 1; minus strand). Cytogenetic location: 21q22.3.
Variant type: Deletion.
Coding change: c.3059_3075del on transcript NM_001379500.1 (MANE Select); coding-DNA positions 3059 to 3075, 17 bases deleted (CCCCTGGAACCATGGGC).
Protein change: p.Pro1020fs; shifts the reading frame from proline 1020.
Molecular consequence: frameshift variant.
Genome position (GRCh38, 1-based): chr21:45,505,403-45,505,419, CCCCTGGAACCATGGGC deleted; deleting any 17 consecutive bases within chr21:45,505,398-45,505,419 gives the same sequence; the c. name uses the placement nearest the transcript's 3' end. VCF-style (leftmost placement, unchanged base first): chr21-45505397-CTGGGCCCCCTGGAACCA-C. GRCh37 (hg19) VCF-style: chr21-46925311-CTGGGCCCCCTGGAACCA-C.
Other names: c.3590_3606del, p.Pro1197fs (NM_030582.4); c.4295_4311del, p.Pro1432fs (NM_130444.3); short protein forms P1020fs, P1197fs, P1432fs.
Identifiers: ClinVar variation 2427915 (VCV002427915.5), dbSNP rs775373948, ClinGen allele CA10067658.

ClinVar aggregate classification (germline): Pathogenic (1 of 4 stars; one submission).

Submission:

Labcorp Genetics (formerly Invitae), Labcorp
Classification: Pathogenic. Last evaluated: 2024-05-27. Review status: criteria provided, single submitter. Criteria: Invitae Variant Classification Sherloc (09022015). Collection method: clinical testing. Allele origin: germline.
Comment: This sequence change creates a premature translational stop signal (p.Pro1017Argfs*61) in the COL18A1 gene. It is expected to result in an absent or disrupted protein product. Loss-of-function variants in COL18A1 are known to be pathogenic (PMID: 12415512, 25456301). This variant is present in population databases (rs775373948, gnomAD 0.002%). This variant has not been reported in the literature in individuals affected with COL18A1-related conditions. ClinVar contains an entry for this variant (Variation ID: 2427915). For these reasons, this variant has been classified as Pathogenic.

Literature cited by the submitters: PubMed 12415512; PubMed 25456301.